The following is an entry in ClinVar:

ClinVar aggregate classification (germline): Uncertain significance. Review status: criteria provided, multiple submitters, no conflicts (2 of 4 stars). 2 submissions from 2 submitters: Uncertain significance (2). Last evaluated 2024-06-30.

Conditions:
RASopathy. Also called: Noonan spectrum disorder; rasopathies. Identifiers: Orphanet 536391, MedGen C5555857, MONDO:0021060.

Submissions (2):

Labcorp Genetics (formerly Invitae), Labcorp
Classification: Uncertain significance for RASopathy. Last evaluated: 2024-06-30. Review status: criteria provided, single submitter. Criteria: Invitae Variant Classification Sherloc (09022015). Collection method: clinical testing. Allele origin: germline.
Comment: This sequence change creates a premature translational stop signal (p.Pro403Leufs*8) in the BRAF gene. It is expected to result in an absent or disrupted protein product. However, the current clinical and genetic evidence is not sufficient to establish whether loss-of-function variants in BRAF cause disease. This variant is not present in population databases (gnomAD no frequency). This variant has not been reported in the literature in individuals affected with BRAF-related conditions. ClinVar contains an entry for this variant (Variation ID: 2077036). Experimental studies and prediction algorithms are not available or were not evaluated, and the functional significance of this variant is currently unknown. In summary, the available evidence is currently insufficient to determine the role of this variant in disease. Therefore, it has been classified as a Variant of Uncertain Significance.

Blueprint Genetics
Classification: Uncertain significance. Last evaluated: 2021-04-15. Review status: criteria provided, single submitter. Criteria: ACMG Guidelines, 2015. Collection method: clinical testing. Allele origin: germline.

NM_004333.6(BRAF):c.1208del (p.Pro403fs)

Gene: BRAF (B-Raf proto-oncogene, serine/threonine kinase; minus strand). Cytogenetic location: 7q34.
Variant type: Deletion.
Coding change: c.1208del on transcript NM_004333.6 (MANE Select); coding-DNA position 1208, one base deleted (C; older notation c.1208delC).
Protein change: p.Pro403fs; shifts the reading frame from proline 403.
Molecular consequence: frameshift variant. On other transcripts: intron variant (2).
Genome position (GRCh38, 1-based): chr7:140,783,127, G deleted on the plus strand (C on the coding strand, the reverse complement: BRAF is on the minus strand); the first of 7 consecutive G bases (chr7:140,783,127-140,783,133); deleting any one gives the same sequence. VCF-style (leftmost placement, unchanged base first): chr7-140783126-AG-A. GRCh37 (hg19) VCF-style: chr7-140482926-AG-A.
Other names: c.1208del, p.Pro403fs (NM_001354609.2, NM_001378468.1, NM_001378474.1); c.1328del, p.Pro443fs (NM_001374244.1, NM_001374258.1); c.1217del, p.Pro406fs (NM_001378467.1); c.1106del, p.Pro369fs (NM_001378470.1); c.1052del, p.Pro351fs (NM_001378472.1, NM_001378473.1); c.944del, p.Pro315fs (NM_001378475.1); c.1141-44del (NM_001378471.1); c.1178-36del (NM_001378469.1); short protein forms P369fs, P406fs, P315fs, P351fs, P443fs, P403fs.
Identifiers: ClinVar variation 2077036 (VCV002077036.5), dbSNP rs777474487, ClinGen allele CA458116210.